The following is an entry in ClinVar:

ClinVar aggregate classification (germline): Conflicting classifications of pathogenicity. Review status: criteria provided, conflicting classifications (1 of 4 stars). 2 submissions from 2 submitters: Uncertain significance (1); Likely benign (1). Last evaluated 2025-11-13.

Conditions:
Renal cell carcinoma. Identifiers: Orphanet 217071, MedGen C0007134, MeSH D002292, MONDO:0005086, HP:0005584.
Hereditary cancer-predisposing syndrome. Also called: Neoplastic Syndromes, Hereditary; Tumor predisposition; Hereditary neoplastic syndrome; Hereditary Cancer Syndrome. Identifiers: Orphanet 140162, MedGen C0027672, MeSH D009386, MONDO:0015356.

Allele frequency attached by ClinVar (database versions not stated): gnomAD exomes below 0.00001; gnomAD 0.00001.

Submissions (2):

Labcorp Genetics (formerly Invitae), Labcorp
Classification: Likely benign for Renal cell carcinoma. Last evaluated: 2025-11-13. Review status: criteria provided, single submitter. Criteria: Invitae Variant Classification Sherloc (09022015). Collection method: clinical testing. Allele origin: germline.

Ambry Genetics
Classification: Uncertain significance for Hereditary cancer-predisposing syndrome. Last evaluated: 2024-09-12. Review status: criteria provided, single submitter. Criteria: Ambry Variant Classification Scheme 2023. Collection method: clinical testing. Allele origin: germline.
Comment: The p.V322A variant (also known as c.965T>C), located in coding exon 1 of the MET gene, results from a T to C substitution at nucleotide position 965. The valine at codon 322 is replaced by alanine, an amino acid with similar properties. This amino acid position is well conserved in available vertebrate species. In addition, this alteration is predicted to be tolerated by in silico analysis. Since supporting evidence is limited at this time, the clinical significance of this alteration remains unclear.

NM_000245.4(MET):c.965T>C (p.Val322Ala)

Gene: MET (MET proto-oncogene, receptor tyrosine kinase; plus strand). Cytogenetic location: 7q31.2.
Variant type: single nucleotide variant.
Coding change: c.965T>C on transcript NM_000245.4 (MANE Select); coding-DNA position 965, T replaced by C.
Protein change: p.Val322Ala; replaces valine 322 with alanine.
Molecular consequence: missense variant. On other transcripts: intron variant (1).
Genome position (GRCh38, 1-based): chr7:116,700,049, T>C. VCF-style: chr7-116700049-T-C. GRCh37 (hg19) VCF-style: chr7-116340103-T-C.
Other names: c.965T>C, p.Val322Ala (NM_001127500.3, NM_001324401.3); c.-91+27472T>C (NM_001324402.2); short protein forms V322A.
Identifiers: ClinVar variation 660839 (VCV000660839.14), dbSNP rs1306040798, ClinGen allele CA368970248.